The following is an entry in ClinVar:

NM_015466.4(PTPN23):c.4844G>A (p.Arg1615Gln)

Gene: PTPN23 (protein tyrosine phosphatase non-receptor type 23; plus strand). Cytogenetic location: 3p21.31.
Variant type: single nucleotide variant.
Coding change: c.4844G>A on transcript NM_015466.4 (MANE Select); coding-DNA position 4844, G replaced by A.
Protein change: p.Arg1615Gln; replaces arginine 1615 with glutamine.
Molecular consequence: missense variant.
Genome position (GRCh38, 1-based): chr3:47,413,118, G>A. VCF-style: chr3-47413118-G-A. GRCh37 (hg19) VCF-style: chr3-47454608-G-A.
Other names: c.4466G>A, p.Arg1489Gln (NM_001304482.2); short protein forms R1489Q, R1615Q.
Identifiers: ClinVar variation 1301731 (VCV001301731.8), dbSNP rs754863024, ClinGen allele CA2366726.

ClinVar aggregate classification (germline): Conflicting classifications of pathogenicity. Review status: criteria provided, conflicting classifications (1 of 4 stars). 3 submissions from 3 submitters: Uncertain significance (2); Likely benign (1). Last evaluated 2026-02-01.

Allele frequency attached by ClinVar (database versions not stated): gnomAD 0.00005; TOPMed 0.00005; gnomAD exomes 0.00007; ExAC 0.00009.
gnomAD v4.1: 104 of 1,612,752 alleles (0.0064%); highest among the groups gnomAD compares: South Asian, 0.018%; 1 homozygote.

Submissions (3):

CeGaT Center for Human Genetics Tuebingen
Classification: Likely benign. Last evaluated: 2026-02-01. Review status: criteria provided, single submitter. Criteria: CeGaT Center For Human Genetics Tuebingen Variant Classification Criteria Version 2. Collection method: clinical testing. Allele origin: germline. Affected: yes. Observed: 1 variant allele.
Comment: PTPN23: BP4

Labcorp Genetics (formerly Invitae), Labcorp
Classification: Uncertain significance. Last evaluated: 2022-08-05. Review status: criteria provided, single submitter. Criteria: Invitae Variant Classification Sherloc (09022015). Collection method: clinical testing. Allele origin: germline.
Comment: This sequence change replaces arginine, which is basic and polar, with glutamine, which is neutral and polar, at codon 1615 of the PTPN23 protein (p.Arg1615Gln). This variant is present in population databases (rs754863024, gnomAD 0.01%). This variant has not been reported in the literature in individuals affected with PTPN23-related conditions. ClinVar contains an entry for this variant (Variation ID: 1301731). Algorithms developed to predict the effect of missense changes on protein structure and function are either unavailable or do not agree on the potential impact of this missense change (SIFT: "Tolerated"; PolyPhen-2: "Not Available"; Align-GVGD: "Class C0"). In summary, the available evidence is currently insufficient to determine the role of this variant in disease. Therefore, it has been classified as a Variant of Uncertain Significance.

Dubai Health Genomic Medicine Center, Dubai Health
Classification: Uncertain significance. Last evaluated: 2020-09-01. Review status: criteria provided, single submitter. Criteria: ACMG Guidelines, 2015. Collection method: clinical testing. Allele origin: germline. Affected: yes.
Comment: The p.Arg1615Gln missense variant in PTPN23 has not been previously reported in patients but was identified in 12/111824 (0.01% 0 homozygotes) European Non Finnish alleles in the Genome Aggregation Database (gnomAD) and in 1/1985 (0.05%) alleles in the Greater Middle East (GME) variome database. Computation prediction tools and conservation analysis do no suggest an impact to protein function however this information is not predictive enough to rule out pathogenicity. In summary more information is needed to determine the clinical significance of this variant.